The following is an entry in ClinVar:

ClinVar aggregate classification (germline): Uncertain significance (1 of 4 stars; one submission).

Conditions:
Ehlers-Danlos syndrome, dermatosparaxis type. Also called: Ehlers-Danlos syndrome, type VII, autosomal recessive; EDS VIIC; Dermatosparaxis. Identifiers: Orphanet 1901, MedGen C2700425, MONDO:0009161, OMIM 225410.

Submission:

Labcorp Genetics (formerly Invitae), Labcorp
Classification: Uncertain significance for Ehlers-Danlos syndrome, dermatosparaxis type. Last evaluated: 2022-08-09. Review status: criteria provided, single submitter. Criteria: Invitae Variant Classification Sherloc (09022015). Collection method: clinical testing. Allele origin: germline.
Comment: In summary, the available evidence is currently insufficient to determine the role of this variant in disease. Therefore, it has been classified as a Variant of Uncertain Significance. Algorithms developed to predict the effect of missense changes on protein structure and function output the following: SIFT: "Tolerated"; PolyPhen-2: "Benign"; Align-GVGD: "Class C0". The lysine amino acid residue is found in multiple mammalian species, which suggests that this missense change does not adversely affect protein function. This variant has not been reported in the literature in individuals affected with ADAMTS2-related conditions. This variant is not present in population databases (gnomAD no frequency). This sequence change replaces threonine, which is neutral and polar, with lysine, which is basic and polar, at codon 217 of the ADAMTS2 protein (p.Thr217Lys).

NM_014244.5(ADAMTS2):c.650C>A (p.Thr217Lys)

Gene: ADAMTS2 (ADAM metallopeptidase with thrombospondin type 1 motif 2; minus strand). Cytogenetic location: 5q35.3.
Variant type: single nucleotide variant.
Coding change: c.650C>A on transcript NM_014244.5 (MANE Select); coding-DNA position 650, C replaced by A.
Protein change: p.Thr217Lys; replaces threonine 217 with lysine.
Molecular consequence: missense variant.
Genome position (GRCh38, 1-based): chr5:179,272,949, G>T on the plus strand (C>A on the coding strand, the complement: ADAMTS2 is on the minus strand). VCF-style: chr5-179272949-G-T. GRCh37 (hg19) VCF-style: chr5-178699950-G-T.
Other names: c.650C>A, p.Thr217Lys (NM_021599.4); short protein forms T217K.
Identifiers: ClinVar variation 2012000 (VCV002012000.2), dbSNP rs149308698, ClinGen allele CA362426657.